The following is an entry in ClinVar:

NM_012281.3(KCND2):c.845A>G (p.Asn282Ser)

Gene: KCND2 (potassium voltage-gated channel subfamily D member 2; plus strand). Cytogenetic location: 7q31.31.
Variant type: single nucleotide variant.
Coding change: c.845A>G on transcript NM_012281.3 (MANE Select); coding-DNA position 845, A replaced by G.
Protein change: p.Asn282Ser; replaces asparagine 282 with serine.
Molecular consequence: missense variant.
Genome position (GRCh38, 1-based): chr7:120,275,477, A>G. VCF-style: chr7-120275477-A-G. GRCh37 (hg19) VCF-style: chr7-119915531-A-G.
Other names: short protein forms N282S.
Identifiers: ClinVar variation 1520678 (VCV001520678.8), dbSNP rs1263257326, ClinGen allele CA369132512.

ClinVar aggregate classification (germline): Uncertain significance (1 of 4 stars; one submission).

Conditions:
Early Myoclonic Encephalopathy. Identifiers: MedGen C0270855.

Allele frequency attached by ClinVar (database versions not stated): gnomAD 0.00001; gnomAD exomes 0.00001 and 0.00002; TOPMed 0.00002.
gnomAD v4.1: 14 of 1,613,096 alleles (0.00087%); highest among the groups gnomAD compares: African/African-American, 0.0013%; no homozygotes.

Submission:

Labcorp Genetics (formerly Invitae), Labcorp
Classification: Uncertain significance for Early Myoclonic Encephalopathy. Last evaluated: 2021-02-26. Review status: criteria provided, single submitter. Criteria: Invitae Variant Classification Sherloc (09022015). Collection method: clinical testing. Allele origin: germline.
Comment: This sequence change replaces asparagine with serine at codon 282 of the KCND2 protein (p.Asn282Ser). The asparagine residue is highly conserved and there is a small physicochemical difference between asparagine and serine. This variant is not present in population databases (ExAC no frequency). This variant has not been reported in the literature in individuals with KCND2-related conditions. Advanced modeling of protein sequence and biophysical properties (such as structural, functional, and spatial information, amino acid conservation, physicochemical variation, residue mobility, and thermodynamic stability) performed at Invitae indicates that this missense variant is not expected to disrupt KCND2 protein function. Algorithms developed to predict the effect of sequence changes on RNA splicing suggest that this variant may create or strengthen a splice site, but this prediction has not been confirmed by published transcriptional studies. In summary, the available evidence is currently insufficient to determine the role of this variant in disease. Therefore, it has been classified as a Variant of Uncertain Significance.